The following is an entry in ClinVar:

NM_001283009.2(RTEL1):c.667T>C (p.Phe223Leu)

Genes: RTEL1 (regulator of telomere elongation helicase 1; plus strand), RTEL1-TNFRSF6B (RTEL1-TNFRSF6B readthrough (NMD candidate); plus strand). Cytogenetic location: 20q13.33.
Variant type: single nucleotide variant.
Coding change: c.667T>C on transcript NM_001283009.2 (MANE Select); coding-DNA position 667, T replaced by C.
Protein change: p.Phe223Leu; replaces phenylalanine 223 with leucine.
Molecular consequence: missense variant. On other transcripts: non-coding transcript variant (1), 5 prime UTR variant (1).
Genome position (GRCh38, 1-based): chr20:63,667,521, T>C. VCF-style: chr20-63667521-T-C. GRCh37 (hg19) VCF-style: chr20-62298874-T-C.
Other names: c.667T>C, p.Phe223Leu (NM_016434.4); c.739T>C, p.Phe247Leu (NM_032957.5); c.-3T>C (NM_001283010.1); short protein forms F247L, F223L.
Identifiers: ClinVar variation 2935161 (VCV002935161.4), dbSNP rs1176757317, ClinGen allele CA409670720.

ClinVar aggregate classification (germline): Uncertain significance. Review status: criteria provided, multiple submitters, no conflicts (2 of 4 stars). 2 submissions from 2 submitters: Uncertain significance (2). Last evaluated 2024-11-20.

Conditions:
Inborn genetic diseases. Identifiers: MedGen C0950123, MeSH D030342.
Dyskeratosis congenita, autosomal recessive 5 (DKCB5). Identifiers: MedGen C3554656, MONDO:0014076, OMIM 615190.
Pulmonary fibrosis and/or bone marrow failure, Telomere-related, 3. Also called: PULMONARY FIBROSIS AND/OR BONE MARROW FAILURE SYNDROME, TELOMERE-RELATED, 3. Identifiers: Orphanet 2032, MedGen C4225346, MONDO:0014613, OMIM 616373.

Allele frequency attached by ClinVar (database versions not stated): TOPMed below 0.00001; gnomAD 0.00001.
gnomAD v4.1: 1 of 1,613,940 alleles (0.000062%); highest among the groups gnomAD compares: Non-Finnish European, 0.000085%; no homozygotes.

Submissions (2):

Ambry Genetics
Classification: Uncertain significance for Inborn genetic diseases. Last evaluated: 2024-11-20. Review status: criteria provided, single submitter. Criteria: Ambry Variant Classification Scheme 2023. Collection method: clinical testing. Allele origin: germline.
Comment: The p.F223L variant (also known as c.667T>C), located in coding exon 7 of the RTEL1 gene, results from a T to C substitution at nucleotide position 667. The phenylalanine at codon 223 is replaced by leucine, an amino acid with highly similar properties. This amino acid position is conserved. In addition, the in silico prediction for this alteration is inconclusive. Based on the available evidence, the clinical significance of this variant remains unclear.

Labcorp Genetics (formerly Invitae), Labcorp
Classification: Uncertain significance for Dyskeratosis congenita, autosomal recessive 5; Pulmonary fibrosis and/or bone marrow failure, Telomere-related, 3. Last evaluated: 2023-02-20. Review status: criteria provided, single submitter. Criteria: Invitae Variant Classification Sherloc (09022015). Collection method: clinical testing. Allele origin: germline.
Comment: This sequence change replaces phenylalanine, which is neutral and non-polar, with leucine, which is neutral and non-polar, at codon 223 of the RTEL1 protein (p.Phe223Leu). This variant is not present in population databases (gnomAD no frequency). This variant has not been reported in the literature in individuals affected with RTEL1-related conditions. An algorithm developed to predict the effect of missense changes on protein structure and function (PolyPhen-2) suggests that this variant is likely to be disruptive. In summary, the available evidence is currently insufficient to determine the role of this variant in disease. Therefore, it has been classified as a Variant of Uncertain Significance.